The following is an entry in ClinVar:

NM_006459.4(ERLIN1):c.760G>T (p.Ala254Ser)

Gene: ERLIN1 (ER lipid raft associated 1; minus strand). Cytogenetic location: 10q24.31.
Variant type: single nucleotide variant.
Coding change: c.760G>T on transcript NM_006459.4 (MANE Select); coding-DNA position 760, G replaced by T.
Protein change: p.Ala254Ser; replaces alanine 254 with serine.
Molecular consequence: missense variant. On other transcripts: non-coding transcript variant (6).
Genome position (GRCh38, 1-based): chr10:100,154,925, C>A on the plus strand (G>T on the coding strand, the complement: ERLIN1 is on the minus strand). VCF-style: chr10-100154925-C-A. GRCh37 (hg19) VCF-style: chr10-101914682-C-A.
Other names: c.760G>T, p.Ala254Ser (NM_001100626.2, NM_001347857.2, NM_001347859.2 and 2 more transcripts); c.508G>T, p.Ala170Ser (NM_001347856.2); c.280G>T, p.Ala94Ser (NM_001347858.2); short protein forms A254S, A170S, A94S.
Identifiers: ClinVar variation 2051439 (VCV002051439.3), dbSNP rs752175424, ClinGen allele CA5646005.

ClinVar aggregate classification (germline): Uncertain significance. Review status: criteria provided, multiple submitters, no conflicts (2 of 4 stars). 2 submissions from 2 submitters: Uncertain significance (2). Last evaluated 2025-07-02.

Conditions:
Hereditary spastic paraplegia 62. Also called: Spastic paraplegia 62, autosomal recessive. Identifiers: Orphanet 401785, MedGen C4284588, MONDO:0014302, OMIM 615681.

Allele frequency attached by ClinVar (database versions not stated): TOPMed 0.00003; gnomAD 0.00004; gnomAD exomes 0.00007; ExAC 0.00010.
gnomAD v4.1: 112 of 1,613,614 alleles (0.0069%); highest among the groups gnomAD compares: Admixed American, 0.057%; no homozygotes.

Submissions (2):

Ambry Genetics
Classification: Uncertain significance. Last evaluated: 2025-07-02. Review status: criteria provided, single submitter. Criteria: Ambry Variant Classification Scheme 2023. Collection method: clinical testing. Allele origin: germline.

Labcorp Genetics (formerly Invitae), Labcorp
Classification: Uncertain significance for Hereditary spastic paraplegia 62. Last evaluated: 2022-05-23. Review status: criteria provided, single submitter. Criteria: Invitae Variant Classification Sherloc (09022015). Collection method: clinical testing. Allele origin: germline.
Comment: This sequence change replaces alanine, which is neutral and non-polar, with serine, which is neutral and polar, at codon 254 of the ERLIN1 protein (p.Ala254Ser). This variant is present in population databases (rs752175424, gnomAD 0.09%). This variant has not been reported in the literature in individuals affected with ERLIN1-related conditions. Algorithms developed to predict the effect of missense changes on protein structure and function (SIFT, PolyPhen-2, Align-GVGD) all suggest that this variant is likely to be disruptive. In summary, the available evidence is currently insufficient to determine the role of this variant in disease. Therefore, it has been classified as a Variant of Uncertain Significance.